The following continues an entry in ClinVar:

NM_000179.3(MSH6):c.73G>T (p.Ala25Ser)

Gene: MSH6. ClinVar aggregate classification (germline): Conflicting classifications of pathogenicity. Uncertain significance (4); Likely benign (19).

Submissions 16 to 23 of 23:

Genetic Services Laboratory, University of Chicago
Classification: Likely benign. Last evaluated: 2020-02-06. Review status: criteria provided, single submitter. Criteria: ACMG Guidelines, 2015. Collection method: clinical testing. Allele origin: germline. Affected: no.

Ambry Genetics
Classification: Likely benign for Hereditary cancer-predisposing syndrome. Last evaluated: 2019-01-16. Review status: criteria provided, single submitter. Criteria: Ambry Variant Classification Scheme 2023. Collection method: clinical testing. Allele origin: germline.

Fulgent Genetics
Classification: Uncertain significance for Mismatch repair cancer syndrome 1; Endometrial carcinoma; Lynch syndrome 5. Last evaluated: 2018-10-31. Review status: criteria provided, single submitter. Criteria: ACMG Guidelines, 2015. Collection method: clinical testing. Allele origin: unknown.

Quest Diagnostics Nichols Institute San Juan Capistrano
Classification: Likely benign. Last evaluated: 2018-09-10. Review status: criteria provided, single submitter. Criteria: Quest Diagnostics criteria. Collection method: clinical testing. Allele origin: germline.

GeneDx
Classification: Likely benign. Last evaluated: 2017-09-14. Review status: criteria provided, single submitter. Criteria: GeneDx Variant Classification (06012015). Collection method: clinical testing. Allele origin: germline. Affected: yes.
Comment: This variant is considered likely benign or benign based on one or more of the following criteria: it is a conservative change, it occurs at a poorly conserved position in the protein, it is predicted to be benign by multiple in silico algorithms, and/or has population frequency not consistent with disease.

Laboratory for Molecular Medicine, Mass General Brigham Personalized Medicine
Classification: Uncertain significance. Last evaluated: 2017-01-25. Review status: criteria provided, single submitter. Criteria: LMM Criteria. Collection method: clinical testing. Allele origin: germline.
Comment: Variant identified in a genome or exome case(s) and assessed due to predicted null impact of the variant or pathogenic assertions in the literature or databases. Disclaimer: This variant has not undergone full assessment. The following are preliminary notes: This variant has been reported in HGMD, classified as DM?. It has been seen in 2 breast cancer families. In one in vitro study the variant was shown to be mismatch repair proficient. In another paper it is predicted to be neutral. The variant has a Max MAF of 0.03% in ExAC (16 alleles) and 0.03% in gnomAD (35 alleles). It is classified with 3 stars in ClinVar as VUS by an expert panel (InSiGHT) and U Wash, and as Likely benign by GeneDx, Invitae, and Ambry. This region is not conserved and 2 mammals have a Ser at this position.

University of Washington Department of Laboratory Medicine, University of Washington
Classification: Uncertain significance for Hereditary nonpolyposis colon cancer. Last evaluated: 2015-11-20. Review status: criteria provided, single submitter. Criteria: Shirts et al. (Genet Med 2016). Collection method: clinical testing. Allele origin: germline. Affected: yes. Observed: 1 variant allele.

Color Diagnostics, LLC DBA Color Health
Classification: Likely benign for Hereditary cancer-predisposing syndrome. Last evaluated: 2015-04-07. Review status: criteria provided, single submitter. Criteria: ACMG Guidelines, 2015. Collection method: clinical testing. Allele origin: germline.

Literature cited by the submitters: PubMed 27363726 (cited by Myriad Genetics, Inc.); PubMed 18566915 (cited by 3 submitters); PubMed 19924528 (cited by 3 submitters); PubMed 22102614 (cited by 3 submitters); PubMed 26517685 (cited by 3 submitters); PubMed 28531214 (cited by 4 submitters); PubMed 28767289 (cited by 3 submitters); PubMed 34445333 (cited by Women's Health and Genetics/Laboratory Corporation of America, LabCorp); PubMed 35904628 (cited by Women's Health and Genetics/Laboratory Corporation of America, LabCorp); PubMed 22290698 (cited by Quest Diagnostics Nichols Institute San Juan Capistrano); PubMed 26206375 (cited by Quest Diagnostics Nichols Institute San Juan Capistrano); PubMed 26333163 (cited by Quest Diagnostics Nichols Institute San Juan Capistrano).